The following is an entry in ClinVar:

ClinVar aggregate classification (germline): Uncertain significance (1 of 4 stars; one submission).

Conditions:
Charcot-Marie-Tooth disease, type I (CMT1). Also called: Charcot-Marie-Tooth disease type 1; Charcot-Marie-Tooth, Type 1. Identifiers: Orphanet 65753, MedGen C0751036, MONDO:0019011.

Submission:

Labcorp Genetics (formerly Invitae), Labcorp
Classification: Uncertain significance for Charcot-Marie-Tooth disease, type I. Last evaluated: 2020-09-11. Review status: criteria provided, single submitter. Criteria: Invitae Variant Classification Sherloc (09022015). Collection method: clinical testing. Allele origin: germline.
Comment: This sequence change replaces methionine with arginine at codon 93 of the EGR2 protein (p.Met93Arg). The methionine residue is moderately conserved and there is a moderate physicochemical difference between methionine and arginine. This variant is not present in population databases (ExAC no frequency). This variant has not been reported in the literature in individuals with EGR2-related conditions. Algorithms developed to predict the effect of missense changes on protein structure and function are either unavailable or do not agree on the potential impact of this missense change (SIFT: "Not Available"; PolyPhen-2: "Possibly Damaging"; Align-GVGD: "Not Available"). In summary, the available evidence is currently insufficient to determine the role of this variant in disease. Therefore, it has been classified as a Variant of Uncertain Significance.

NM_000399.5(EGR2):c.278T>G (p.Met93Arg)

Gene: EGR2 (early growth response 2; minus strand). Cytogenetic location: 10q21.3.
Variant type: single nucleotide variant.
Coding change: c.278T>G on transcript NM_000399.5 (MANE Select); coding-DNA position 278, T replaced by G.
Protein change: p.Met93Arg; replaces methionine 93 with arginine.
Molecular consequence: missense variant.
Genome position (GRCh38, 1-based): chr10:62,814,360, A>C on the plus strand (T>G on the coding strand, the complement: EGR2 is on the minus strand). VCF-style: chr10-62814360-A-C. GRCh37 (hg19) VCF-style: chr10-64574120-A-C.
Other names: c.278T>G, p.Met93Arg (NM_001136177.3, NM_001136178.2); c.128T>G, p.Met43Arg (NM_001136179.3, NM_001321037.2); short protein forms M43R, M93R.
Identifiers: ClinVar variation 1061232 (VCV001061232.7), dbSNP rs200488421, ClinGen allele CA377031822.
Genomic context (GRCh38, chr10:62,814,360, plus strand): 5'-ATTATGCCTTCTGGGTAGCAGCTGGCACCAGGGTACTGAGGGTCAATGGAGAACTTGCCC[A>C]TGTAAGTGAAGGTCTGGTTTCTAGGTGCAGAGACGGGAGCAAAGCTGCTGGGATATGGGA-3'
Protein context (NP_000390.2, residues 83-103): SAPRNQTFTY[Met93Arg]GKFSIDPQYP